The following is an entry in ClinVar:

ClinVar aggregate classification (germline): Pathogenic (1 of 4 stars; one submission).

Submission:

Labcorp Genetics (formerly Invitae), Labcorp
Classification: Pathogenic. Last evaluated: 2023-09-11. Review status: criteria provided, single submitter. Criteria: Invitae Variant Classification Sherloc (09022015). Collection method: clinical testing. Allele origin: germline.
Comment: For these reasons, this variant has been classified as Pathogenic. This variant disrupts the triple helix domain of COL4A1. Glycine residues within the Gly-Xaa-Yaa repeats of the triple helix domain are required for the structure and stability of fibrillar collagens (PMID: 7695699, 8218237, 19344236). In COL4A1 variants affecting these glycine residues are significantly enriched in individuals with disease (PMID: 9016532, 17078022) compared to the general population (ExAC). ClinVar contains an entry for this variant (Variation ID: 1469693). This missense change has been observed in individual(s) with clinical features of COL4A1-related conditions (Invitae). In at least one individual the variant was observed to be de novo. This variant is not present in population databases (gnomAD no frequency). This sequence change replaces glycine, which is neutral and non-polar, with aspartic acid, which is acidic and polar, at codon 630 of the COL4A1 protein (p.Gly630Asp). An algorithm developed to predict the effect of missense changes on protein structure and function (PolyPhen-2) suggests that this variant is likely to be disruptive.

Literature cited by the submitters: PubMed 7695699; PubMed 8218237; PubMed 19344236; PubMed 9016532; PubMed 17078022.

NM_001845.6(COL4A1):c.1889G>A (p.Gly630Asp)

Gene: COL4A1 (collagen type IV alpha 1 chain; minus strand). Cytogenetic location: 13q34.
Variant type: single nucleotide variant.
Coding change: c.1889G>A on transcript NM_001845.6 (MANE Select); coding-DNA position 1889, G replaced by A.
Protein change: p.Gly630Asp; replaces glycine 630 with aspartic acid.
Molecular consequence: missense variant.
Genome position (GRCh38, 1-based): chr13:110,186,393, C>T on the plus strand (G>A on the coding strand, the complement: COL4A1 is on the minus strand). VCF-style: chr13-110186393-C-T. GRCh37 (hg19) VCF-style: chr13-110838740-C-T.
Other names: short protein forms G630D.
Identifiers: ClinVar variation 1469693 (VCV001469693.8), dbSNP rs2139173182, ClinGen allele CA388722529.